The following is an entry in ClinVar:

NM_000089.4(COL1A2):c.380G>A (p.Gly127Asp)

Gene: COL1A2 (collagen type I alpha 2 chain; plus strand). Cytogenetic location: 7q21.3.
Variant type: single nucleotide variant.
Coding change: c.380G>A on transcript NM_000089.4 (MANE Select); coding-DNA position 380, G replaced by A.
Protein change: p.Gly127Asp; replaces glycine 127 with aspartic acid.
Molecular consequence: missense variant.
Genome position (GRCh38, 1-based): chr7:94,404,840, G>A. VCF-style: chr7-94404840-G-A. GRCh37 (hg19) VCF-style: chr7-94034152-G-A.
Other names: short protein forms G127D.
Identifiers: ClinVar variation 4783663 (VCV004783663.1).

ClinVar aggregate classification (germline): Pathogenic (1 of 4 stars; one submission).

Conditions:
Ehlers-Danlos syndrome, classic type, 1 (EDSCL1). Also called: EHLERS-DANLOS SYNDROME, GRAVIS TYPE; EHLERS-DANLOS SYNDROME, SEVERE CLASSIC TYPE; Ehlers-Danlos syndrome, type 1; Ehlers-Danlos Syndrome, Classic Type, COL5A1-Related; EDS I. Identifiers: MedGen C0268335, MONDO:0019567, OMIM 130000.
Osteogenesis imperfecta type I (OI1). Also called: OI, TYPE I; OSTEOGENESIS IMPERFECTA TARDA; OSTEOGENESIS IMPERFECTA WITH BLUE SCLERAE; Osteogenesis imperfecta type 1; Lobstein's Disease; Lobstein disease. Identifiers: Orphanet 216796, Orphanet 666, MedGen C0023931, MONDO:0008146, OMIM 166200. Disease mechanism: loss of function.

Submission:

Labcorp Genetics (formerly Invitae), Labcorp
Classification: Pathogenic for Osteogenesis imperfecta type I; Ehlers-Danlos syndrome, classic type, 1. Last evaluated: 2025-12-29. Review status: criteria provided, single submitter. Criteria: Invitae Variant Classification Sherloc (09022015). Collection method: clinical testing. Allele origin: germline.
Comment: This sequence change replaces glycine, which is neutral and non-polar, with aspartic acid, which is acidic and polar, at codon 127 of the COL1A2 protein (p.Gly127Asp). This variant is not present in population databases (gnomAD no frequency). This missense change has been observed in individual(s) with autosomal dominant osteogenesis imperfecta type I (PMID: 27509835). Experimental studies and prediction algorithms are not available or were not evaluated, and the functional significance of this variant is currently unknown. This variant disrupts the triple helix domain of COL1A2. Glycine residues within the Gly-Xaa-Yaa repeats of the triple helix domain are required for the structure and stability of fibrillar collagens (PMID: 7695699, 8218237, 19344236). In COL1A2, variants affecting these glycine residues are significantly enriched in individuals with disease (PMID: 9016532, 17078022) compared to the general population (ExAC). For these reasons, this variant has been classified as Pathogenic.

Literature cited by the submitters: PubMed 27509835; PubMed 7695699; PubMed 8218237; PubMed 19344236; PubMed 9016532; PubMed 17078022.